The following is an entry in ClinVar:

NM_178138.6(LHX3):c.781C>A (p.Pro261Thr)

Gene: LHX3 (LIM homeobox 3; minus strand). Cytogenetic location: 9q34.3.
Variant type: single nucleotide variant.
Coding change: c.781C>A on transcript NM_178138.6 (MANE Select); coding-DNA position 781, C replaced by A.
Protein change: p.Pro261Thr; replaces proline 261 with threonine.
Molecular consequence: missense variant.
Genome position (GRCh38, 1-based): chr9:136,197,738, G>T on the plus strand (C>A on the coding strand, the complement: LHX3 is on the minus strand). VCF-style: chr9-136197738-G-T. GRCh37 (hg19) VCF-style: chr9-139089584-G-T.
Other names: c.748C>A, p.Pro250Thr (NM_001363746.1); c.796C>A, p.Pro266Thr (NM_014564.5); short protein forms P250T, P261T, P266T.
Identifiers: ClinVar variation 4981076 (VCV004981076.1).

ClinVar aggregate classification (germline): Uncertain significance (1 of 4 stars; one submission).

Conditions:
LHX3-related disorder. Also called: LHX3-related condition.

gnomAD v4.1: 8 of 1,601,396 alleles (0.0005%); highest among the groups gnomAD compares: Admixed American, 0.013%; no homozygotes.

Submission:

PreventionGenetics, part of Exact Sciences
Classification: Uncertain significance for LHX3-related condition. Last evaluated: 2025-12-24. Review status: criteria provided, single submitter. Criteria: ACMG Guidelines, 2015. Collection method: clinical testing. Allele origin: germline.
Comment: The LHX3 c.796C>A variant is predicted to result in the amino acid substitution p.Pro266Thr. To our knowledge, this variant has not been reported in the literature. This variant is reported in 0.020% of alleles in individuals of Latino descent in gnomAD. At this time, the clinical significance of this variant is uncertain due to the absence of conclusive functional and genetic evidence.